The following is an entry in ClinVar:

NM_152743.4(BRAT1):c.1771-70C>T

Gene: BRAT1 (BRCA1 associated ATM activator 1; minus strand). Cytogenetic location: 7p22.3.
Variant type: single nucleotide variant.
Coding change: c.1771-70C>T on transcript NM_152743.4 (MANE Select); 70 bases into the intron before coding-DNA position 1771, C replaced by T.
Molecular consequence: intron variant. On other transcripts: synonymous variant (1).
Genome position (GRCh38, 1-based): chr7:2,538,834, G>A on the plus strand (C>T on the coding strand, the complement: BRAT1 is on the minus strand). VCF-style: chr7-2538834-G-A. GRCh37 (hg19) VCF-style: chr7-2578468-G-A.
Other names: c.1881C>T, p.Thr627= (NM_001350626.2); c.1246-70C>T (NM_001350627.2).
Identifiers: ClinVar variation 3052936 (VCV003052936.2), dbSNP rs569180121, ClinGen allele CA152665300.

ClinVar aggregate classification (germline): Likely benign (0 of 4 stars; one submission).

Conditions:
BRAT1-related disorder. Also called: BRAT1-related disorders; BRAT1-related condition.

Allele frequency attached by ClinVar (database versions not stated): gnomAD 0.00043; TOPMed 0.00066; 1000 Genomes Project 0.00080; 1000 Genomes Project 30x 0.00109.
gnomAD v4.1: 376 of 1,571,086 alleles (0.024%); highest among the groups gnomAD compares: Admixed American, 0.28%; no homozygotes.

Submission:

PreventionGenetics, part of Exact Sciences
Classification: Likely benign for BRAT1-related condition. Last evaluated: 2021-04-04. Review status: no assertion criteria provided. Collection method: clinical testing. Allele origin: germline.
Comment: This variant is classified as likely benign based on ACMG/AMP sequence variant interpretation guidelines (Richards et al. 2015 PMID: 25741868, with internal and published modifications).